The following is an entry in ClinVar:

NM_001032382.2(PQBP1):c.*3C>T

Gene: PQBP1 (polyglutamine binding protein 1; plus strand). Cytogenetic location: Xp11.23.
Variant type: single nucleotide variant.
Coding change: c.*3C>T on transcript NM_001032382.2 (MANE Select); 3 bases downstream of the stop codon, C replaced by T.
Molecular consequence: 3 prime UTR variant.
Genome position (GRCh38, 1-based): chrX:48,903,087, C>T. VCF-style: chrX-48903087-C-T. GRCh37 (hg19) VCF-style: chrX-48760364-C-T.
Other names: c.*3C>T (NM_005710.2, NM_001032381.2, NM_001032383.2 and 5 more transcripts).
Identifiers: ClinVar variation 912840 (VCV000912840.4), dbSNP rs781944808, ClinGen allele CA10405998.
Genomic context (GRCh38, chrX:48,903,087, plus strand): 5'-CCCAGGGGCTGTGCTCCGGGCCAATGCAGAGGCCTCCCGAACCAAGCAGCAGGATTGAAG[C>T]TTCGGCCTCCCTGGCCCTGGGTTAAAATAAAAGCTTTCTGGTGATCCTGCCCACCATACC-3'

ClinVar aggregate classification (germline): Benign (1 of 4 stars; one submission).

Conditions:
Renpenning syndrome. Also called: Mental retardation, X-linked Renpenning type; X-linked mental retardation with spastic diplegia; X-linked mental retardation syndromic 3; Sutherland-Haan syndrome; GOLABI-ITO-HALL SYNDROME; MENTAL RETARDATION, X-LINKED 55. Identifiers: Orphanet 3242, MedGen C0796135, MONDO:0010653, OMIM 309500.

Allele frequency attached by ClinVar (database versions not stated): gnomAD exomes 0.00002 and 0.00003; ExAC 0.00009.
gnomAD v4.1: 19 of 1,202,784 alleles (0.0016%); highest among the groups gnomAD compares: South Asian, 0.027%; no homozygotes.

Submission:

Illumina Laboratory Services, Illumina
Classification: Benign for Renpenning syndrome. Last evaluated: 2018-03-28. Review status: criteria provided, single submitter. Criteria: ICSL Variant Classification Criteria 13 December 2019. Collection method: clinical testing. Allele origin: germline.
Comment: This variant was observed in the ICSL laboratory as part of a predisposition screen in an ostensibly healthy population. It had not been previously curated by ICSL or reported in the Human Gene Mutation Database (HGMD: prior to June 1st, 2018), and was therefore a candidate for classification through an automated scoring system. Utilizing variant allele frequency, disease prevalence and penetrance estimates, and inheritance mode, an automated score was calculated to assess if this variant is too frequent to cause the disease. Based on the score and internal cut-off values, a variant classified as benign is not then subjected to further curation. The score for this variant resulted in a classification of benign for this disease.